The following is an entry in ClinVar:

NM_001371928.1(AHDC1):c.1315G>A (p.Ala439Thr)

Gene: AHDC1 (AT-hook DNA binding motif containing 1; minus strand). Cytogenetic location: 1p36.11.
Variant type: single nucleotide variant.
Coding change: c.1315G>A on transcript NM_001371928.1 (MANE Select); coding-DNA position 1315, G replaced by A.
Protein change: p.Ala439Thr; replaces alanine 439 with threonine.
Molecular consequence: missense variant.
Genome position (GRCh38, 1-based): chr1:27,550,801, C>T on the plus strand (G>A on the coding strand, the complement: AHDC1 is on the minus strand). VCF-style: chr1-27550801-C-T. GRCh37 (hg19) VCF-style: chr1-27877312-C-T.
Other names: c.1315G>A, p.Ala439Thr (NM_001029882.3); short protein forms A439T.
Identifiers: ClinVar variation 1914647 (VCV001914647.5), dbSNP rs773304560, ClinGen allele CA715968.

ClinVar aggregate classification (germline): Uncertain significance (1 of 4 stars; one submission).

gnomAD v4.1: 6 of 1,566,462 alleles (0.00038%); highest among the groups gnomAD compares: South Asian, 0.0069%; no homozygotes.

Submission:

Labcorp Genetics (formerly Invitae), Labcorp
Classification: Uncertain significance. Last evaluated: 2022-09-09. Review status: criteria provided, single submitter. Criteria: Invitae Variant Classification Sherloc (09022015). Collection method: clinical testing. Allele origin: germline.
Comment: This variant is present in population databases (rs773304560, gnomAD 0.02%). This sequence change replaces alanine, which is neutral and non-polar, with threonine, which is neutral and polar, at codon 439 of the AHDC1 protein (p.Ala439Thr). This variant has not been reported in the literature in individuals affected with AHDC1-related conditions. Algorithms developed to predict the effect of missense changes on protein structure and function output the following: SIFT: "Tolerated"; PolyPhen-2: "Possibly Damaging"; Align-GVGD: "Class C0". The threonine amino acid residue is found in multiple mammalian species, which suggests that this missense change does not adversely affect protein function. In summary, the available evidence is currently insufficient to determine the role of this variant in disease. Therefore, it has been classified as a Variant of Uncertain Significance.